The following is an entry in ClinVar:

NM_198576.4(AGRN):c.2867G>A (p.Arg956His)

Gene: AGRN (agrin; plus strand). Cytogenetic location: 1p36.33.
Variant type: single nucleotide variant.
Coding change: c.2867G>A on transcript NM_198576.4 (MANE Select); coding-DNA position 2867, G replaced by A.
Protein change: p.Arg956His; replaces arginine 956 with histidine.
Molecular consequence: missense variant.
Genome position (GRCh38, 1-based): chr1:1,046,221, G>A. VCF-style: chr1-1046221-G-A. GRCh37 (hg19) VCF-style: chr1-981601-G-A.
Other names: c.2867G>A, p.Arg956His (NM_001305275.2); c.2552G>A, p.Arg851His (NM_001364727.2); short protein forms R956H, R851H.
Identifiers: ClinVar variation 861816 (VCV000861816.8), dbSNP rs757057339, ClinGen allele CA508843.
Genomic context (GRCh38, chr1:1,046,221, plus strand): 5'-TCTGTGGGTCAGATGGAGTCACATACGGCAACGAGTGTCAGCTGAAGACCATCGCCTGCC[G>A]CCAGGGCCTGCAAATCTCTATCCAGAGCCTGGGCCCGTGCCAGGGTGAGGCCTGACGGCC-3'
Protein context (NP_940978.2, residues 946-966): NECQLKTIAC[Arg956His]QGLQISIQSL

ClinVar aggregate classification (germline): Uncertain significance. Review status: criteria provided, multiple submitters, no conflicts (2 of 4 stars). 3 submissions from 3 submitters: Uncertain significance (3). Last evaluated 2022-10-04.

Conditions:
Inborn genetic diseases. Identifiers: MedGen C0950123, MeSH D030342.
Congenital myasthenic syndrome 8. Also called: MYASTHENIC SYNDROME, CONGENITAL, DUE TO AGRIN DEFICIENCY; Myasthenic syndrome, congenital, 8, with pre- and postsynaptic defects. Identifiers: Orphanet 590, MedGen C3808739, MONDO:0014052, OMIM 615120.

Allele frequency attached by ClinVar (database versions not stated): gnomAD 0.00001; TOPMed 0.00003.
gnomAD v4.1: 24 of 1,613,474 alleles (0.0015%); highest among the groups gnomAD compares: South Asian, 0.0022%; no homozygotes.

Submissions (3):

Labcorp Genetics (formerly Invitae), Labcorp
Classification: Uncertain significance for Congenital myasthenic syndrome 8. Last evaluated: 2022-10-04. Review status: criteria provided, single submitter. Criteria: Invitae Variant Classification Sherloc (09022015). Collection method: clinical testing. Allele origin: germline.
Comment: This sequence change replaces arginine, which is basic and polar, with histidine, which is basic and polar, at codon 956 of the AGRN protein (p.Arg956His). This variant is present in population databases (rs757057339, gnomAD 0.003%). This variant has not been reported in the literature in individuals affected with AGRN-related conditions. ClinVar contains an entry for this variant (Variation ID: 861816). Algorithms developed to predict the effect of missense changes on protein structure and function are either unavailable or do not agree on the potential impact of this missense change (SIFT: "Deleterious"; PolyPhen-2: "Possibly Damaging"; Align-GVGD: "Class C0"). In summary, the available evidence is currently insufficient to determine the role of this variant in disease. Therefore, it has been classified as a Variant of Uncertain Significance.

Ambry Genetics
Classification: Uncertain significance for Inborn genetic diseases. Last evaluated: 2021-09-16. Review status: criteria provided, single submitter. Criteria: Ambry Variant Classification Scheme 2023. Collection method: clinical testing. Allele origin: germline.

Revvity Omics, Revvity
Classification: Uncertain significance for Congenital myasthenic syndrome 8. Last evaluated: 2021-04-19. Review status: criteria provided, single submitter. Criteria: ACMG Guidelines, 2015. Collection method: clinical testing. Allele origin: germline.